The following is an entry in ClinVar:

ClinVar aggregate classification (germline): Uncertain significance. Review status: criteria provided, multiple submitters, no conflicts (2 of 4 stars). 2 submissions from 2 submitters: Uncertain significance (2). Last evaluated 2025-09-22.

Conditions:
Inborn genetic diseases. Identifiers: MedGen C0950123, MeSH D030342.
Brachyolmia-amelogenesis imperfecta syndrome. Also called: PLATYSPONDYLY WITH AMELOGENESIS IMPERFECTA; Tooth agenesis, selective, 6; Dental anomalies and short stature. Identifiers: Orphanet 2899, MedGen C1832594, MONDO:0011018, OMIM 601216. Disease mechanism: loss of function.

gnomAD v4.1: 1 of 1,613,660 alleles (0.000062%); highest among the groups gnomAD compares: South Asian, 0.0011%; no homozygotes.

Submissions (2):

Ambry Genetics
Classification: Uncertain significance for Inborn genetic diseases. Last evaluated: 2025-09-22. Review status: criteria provided, single submitter. Criteria: Ambry Variant Classification Scheme 2023. Collection method: clinical testing. Allele origin: germline.

Labcorp Genetics (formerly Invitae), Labcorp
Classification: Uncertain significance for Brachyolmia-amelogenesis imperfecta syndrome. Last evaluated: 2024-06-10. Review status: criteria provided, single submitter. Criteria: Invitae Variant Classification Sherloc (09022015). Collection method: clinical testing. Allele origin: germline.
Comment: This sequence change replaces proline, which is neutral and non-polar, with serine, which is neutral and polar, at codon 535 of the LTBP3 protein (p.Pro535Ser). This variant is not present in population databases (gnomAD no frequency). This variant has not been reported in the literature in individuals affected with LTBP3-related conditions. Algorithms developed to predict the effect of missense changes on protein structure and function output the following: SIFT: "Not Available"; PolyPhen-2: "Benign"; Align-GVGD: "Not Available". The serine amino acid residue is found in multiple mammalian species, which suggests that this missense change does not adversely affect protein function. In summary, the available evidence is currently insufficient to determine the role of this variant in disease. Therefore, it has been classified as a Variant of Uncertain Significance.

NM_001130144.3(LTBP3):c.1603C>T (p.Pro535Ser)

Gene: LTBP3 (latent transforming growth factor beta binding protein 3; minus strand). Cytogenetic location: 11q13.1.
Variant type: single nucleotide variant.
Coding change: c.1603C>T on transcript NM_001130144.3 (MANE Select); coding-DNA position 1603, C replaced by T.
Protein change: p.Pro535Ser; replaces proline 535 with serine.
Molecular consequence: missense variant.
Genome position (GRCh38, 1-based): chr11:65,551,420, G>A on the plus strand (C>T on the coding strand, the complement: LTBP3 is on the minus strand). VCF-style: chr11-65551420-G-A. GRCh37 (hg19) VCF-style: chr11-65318891-G-A.
Other names: c.1603C>T (NM_001130144.2); c.1252C>T, p.Pro418Ser (NM_001164266.1); c.1603C>T, p.Pro535Ser (NM_021070.4); short protein forms P418S, P535S.
Identifiers: ClinVar variation 3667996 (VCV003667996.3).
Genomic context (GRCh38, chr11:65,551,420, plus strand): 5'-GATTTAGCCCTTGAGGACTCATCCCTACAGTGCCCAGCTCACCGGGGTAGGGCCGGGCAG[G>A]AGTCGTGGTGGCAGTTGGGTGGCTCTGCTGCACTGACCTCTCCTCACTCACCGGCTGCGG-3'
Protein context (NP_001123616.1, residues 525-545): QQSHPTATTT[Pro535Ser]ARPYPELISR